The following is an entry in ClinVar:

ClinVar aggregate classification (germline): Uncertain significance (1 of 4 stars; one submission).

Allele frequency attached by ClinVar (database versions not stated): gnomAD exomes below 0.00001.
gnomAD v4.1: 1 of 1,614,132 alleles (0.000062%); highest among the groups gnomAD compares: Non-Finnish European, 0.000085%; no homozygotes.

Submission:

Labcorp Genetics (formerly Invitae), Labcorp
Classification: Uncertain significance. Last evaluated: 2024-03-04. Review status: criteria provided, single submitter. Criteria: Invitae Variant Classification Sherloc (09022015). Collection method: clinical testing. Allele origin: germline.
Comment: This sequence change replaces histidine, which is basic and polar, with proline, which is neutral and non-polar, at codon 186 of the RP1 protein (p.His186Pro). This variant is not present in population databases (gnomAD no frequency). This variant has not been reported in the literature in individuals affected with RP1-related conditions. An algorithm developed to predict the effect of missense changes on protein structure and function (PolyPhen-2) suggests that this variant is likely to be disruptive. In summary, the available evidence is currently insufficient to determine the role of this variant in disease. Therefore, it has been classified as a Variant of Uncertain Significance.

NM_006269.2(RP1):c.557A>C (p.His186Pro)

Gene: RP1 (RP1 axonemal microtubule associated; plus strand). Cytogenetic location: 8q12.1.
Variant type: single nucleotide variant.
Coding change: c.557A>C on transcript NM_006269.2 (MANE Select); coding-DNA position 557, A replaced by C.
Protein change: p.His186Pro; replaces histidine 186 with proline.
Molecular consequence: missense variant.
Genome position (GRCh38, 1-based): chr8:54,621,523, A>C. VCF-style: chr8-54621523-A-C. GRCh37 (hg19) VCF-style: chr8-55534083-A-C.
Other names: c.557A>C, p.His186Pro (NM_001375654.1); short protein forms H186P.
Identifiers: ClinVar variation 2820768 (VCV002820768.3), dbSNP rs2536557978, ClinGen allele CA370987254.